The following is an entry in ClinVar:

NM_006946.4(SPTBN2):c.1653+13C>T

Gene: SPTBN2 (spectrin beta, non-erythrocytic 2; minus strand). Cytogenetic location: 11q13.2.
Variant type: single nucleotide variant.
Coding change: c.1653+13C>T on transcript NM_006946.4 (MANE Select); 13 bases into the intron after coding-DNA position 1653, C replaced by T.
Molecular consequence: intron variant.
Genome position (GRCh38, 1-based): chr11:66,707,503, G>A on the plus strand (C>T on the coding strand, the complement: SPTBN2 is on the minus strand). VCF-style: chr11-66707503-G-A. GRCh37 (hg19) VCF-style: chr11-66474974-G-A.
Identifiers: ClinVar variation 436855 (VCV000436855.17), dbSNP rs376349935, ClinGen allele CA6129320.

ClinVar aggregate classification (germline): Conflicting classifications of pathogenicity. Review status: criteria provided, conflicting classifications (1 of 4 stars). 4 submissions from 4 submitters: Uncertain significance (3); Likely benign (1). Last evaluated 2026-01-13.

Conditions:
Autosomal recessive spinocerebellar ataxia 14. Also called: CEREBELLAR ATAXIA, AUTOSOMAL RECESSIVE, SPECTRIN-ASSOCIATED, 1. Identifiers: Orphanet 352403, MedGen C4706415, MONDO:0014159, OMIM 615386.

Allele frequency attached by ClinVar (database versions not stated): TOPMed 0.00004; gnomAD 0.00005 and 0.00006; gnomAD exomes 0.00007 and 0.00010; ESP Exome Variant Server 0.00016; ExAC 0.00031.
gnomAD v4.1: 108 of 1,589,920 alleles (0.0068%); highest among the groups gnomAD compares: Non-Finnish European, 0.0087%; no homozygotes.

Submissions (4):

Women's Health and Genetics/Laboratory Corporation of America, LabCorp
Classification: Uncertain significance. Last evaluated: 2026-01-13. Review status: criteria provided, single submitter. Criteria: LabCorp Variant Classification Summary - May 2015. Collection method: clinical testing. Allele origin: germline.
Comment: Variant summary: SPTBN2 c.1653+13C>T alters a nucleotide located at a position not widely known to affect splicing. Several computational tools predict a significant impact on normal splicing: Three predict the variant creates a cryptic 5' donor site. However, these predictions have yet to be confirmed by functional studies. The variant allele was found at a frequency of 9.6e-05 in 208952 control chromosomes. This frequency is not significantly higher than estimated for disease-causing variants in SPTBN2, allowing no conclusion about variant significance. c.1653+13C>T has been observed in individual(s) affected with Autosomal dominant cerebellar ataxia (example: Zuhlke_2007). These report(s) do not provide unequivocal conclusions about association of the variant with Spinocerebellar Ataxia 5. To our knowledge, no experimental evidence demonstrating an impact on protein function has been reported. The following publication has been ascertained in the context of this evaluation (PMID: 17940722). ClinVar contains an entry for this variant (Variation ID: 436855). Based on the evidence outlined above, the variant was classified as uncertain significance.

Labcorp Genetics (formerly Invitae), Labcorp
Classification: Likely benign. Last evaluated: 2024-11-25. Review status: criteria provided, single submitter. Criteria: Invitae Variant Classification Sherloc (09022015). Collection method: clinical testing. Allele origin: germline.

Genetic Services Laboratory, University of Chicago
Classification: Uncertain significance. Last evaluated: 2017-05-17. Review status: criteria provided, single submitter. Criteria: ACMG Guidelines, 2015. Collection method: clinical testing. Allele origin: germline. Affected: no.

Illumina Laboratory Services, Illumina
Classification: Uncertain significance for Autosomal recessive spinocerebellar ataxia 14. Last evaluated: 2017-04-28. Review status: criteria provided, single submitter. Criteria: ICSL Variant Classification Criteria 13 December 2019. Collection method: clinical testing. Allele origin: germline.
Comment: This variant was observed as part of a predisposition screen in an ostensibly healthy population. A literature search was performed for the gene, cDNA change, and amino acid change (where applicable). Publications were found based on this search. However, the evidence from the literature, in combination with allele frequency data from public databases where available, was not sufficient to rule this variant in or out of causing disease. Therefore, this variant is classified as a variant of unknown significance.

Literature cited by the submitters: PubMed 17940722 (cited by Women's Health and Genetics/Laboratory Corporation of America, LabCorp and Illumina Laboratory Services, Illumina).